The following is an entry in ClinVar:

ClinVar aggregate classification (germline): Benign/Likely benign. Review status: criteria provided, multiple submitters, no conflicts (2 of 4 stars). 6 submissions from 6 submitters: Benign (5); Likely benign (1). Last evaluated 2026-09-01.

Allele frequency attached by ClinVar (database versions not stated): 1000 Genomes Project 30x 0.00203; 1000 Genomes Project 0.00240; gnomAD 0.00444 and 0.00446; TOPMed 0.00451; ExAC 0.00466; ESP Exome Variant Server 0.00477; gnomAD exomes 0.00494 and 0.00540.
gnomAD v4.1: 8,527 of 1,588,138 alleles (0.54%); highest among the groups gnomAD compares: Middle Eastern, 1.9%; 43 homozygotes.

Submissions (11):

CeGaT Center for Human Genetics Tuebingen
Classification: Benign. Last evaluated: 2026-09-01. Review status: criteria provided, single submitter. Criteria: CeGaT Center For Human Genetics Tuebingen Variant Classification Criteria Version 2. Collection method: clinical testing. Allele origin: germline. Affected: yes. Observed: 35 variant alleles.
Comment: KIF11: BP4, BS1, BS2

Labcorp Genetics (formerly Invitae), Labcorp
Classification: Benign. Last evaluated: 2026-02-01. Review status: criteria provided, single submitter. Criteria: Invitae Variant Classification Sherloc (09022015). Collection method: clinical testing. Allele origin: germline.

Blueprint Genetics
Classification: Likely benign. Last evaluated: 2024-11-27. Review status: criteria provided, single submitter. Criteria: ACMG Guidelines, 2015. Collection method: clinical testing. Allele origin: germline.

GeneDx
Classification: Benign. Last evaluated: 2018-12-11. Review status: criteria provided, single submitter. Criteria: GeneDx Variant Classification Process June 2021. Collection method: clinical testing. Allele origin: germline. Affected: yes.

Genetic Services Laboratory, University of Chicago
Classification: Benign. Last evaluated: 2015-12-11. Review status: criteria provided, single submitter. Criteria: ACMG Guidelines, 2015. Collection method: clinical testing. Allele origin: germline. Affected: no.

Breakthrough Genomics
Classification: Benign. Review status: criteria provided, single submitter. Criteria: ACMG Guidelines, 2015. Collection method: not provided. Allele origin: germline. Inheritance: Autosomal dominant inheritance. Affected: yes.

Dr. Peter K. Rogan Lab, Western University
No classification provided (evidence only). Condition: Lung cancer. Review status: no classification provided. Collection method: in vitro. Allele origin: not applicable. Functional consequence: retained intron. Not counted in ClinVar's aggregate classification.

Dr. Peter K. Rogan Lab, Western University
No classification provided (evidence only). Condition: Acute myeloid leukemia. Review status: no classification provided. Collection method: in vitro. Allele origin: not applicable. Functional consequence: retained intron. Not counted in ClinVar's aggregate classification.

Dr. Peter K. Rogan Lab, Western University
No classification provided (evidence only). Condition: Acute myeloid leukemia. Review status: no classification provided. Collection method: in vitro. Allele origin: not applicable. Functional consequence: retained intron. Not counted in ClinVar's aggregate classification.

Dr. Peter K. Rogan Lab, Western University
No classification provided (evidence only). Condition: Acute myeloid leukemia. Review status: no classification provided. Collection method: in vitro. Allele origin: not applicable. Functional consequence: retained intron. Not counted in ClinVar's aggregate classification.

Dr. Peter K. Rogan Lab, Western University
No classification provided (evidence only). Condition: Acute myeloid leukemia. Review status: no classification provided. Collection method: in vitro. Allele origin: not applicable. Functional consequence: retained intron. Not counted in ClinVar's aggregate classification.

NM_004523.4(KIF11):c.2771-6T>A

Gene: KIF11 (kinesin family member 11; plus strand). Cytogenetic location: 10q23.33.
Variant type: single nucleotide variant.
Coding change: c.2771-6T>A on transcript NM_004523.4 (MANE Select); 6 bases into the intron before coding-DNA position 2771, T replaced by A.
Molecular consequence: intron variant.
Genome position (GRCh38, 1-based): chr10:92,649,829, T>A. VCF-style: chr10-92649829-T-A. GRCh37 (hg19) VCF-style: chr10-94409586-T-A.
Identifiers: ClinVar variation 211273 (VCV000211273.52), dbSNP rs75876570, ClinGen allele CA209823.